The following is an entry in ClinVar:

ClinVar aggregate classification (germline): Benign/Likely benign. Review status: criteria provided, multiple submitters, no conflicts (2 of 4 stars). 9 submissions from 9 submitters: Benign (5); Likely benign (2). 2 of the submissions do not count toward it. Last evaluated 2026-08-01.

Conditions:
Deficiency of aromatic-L-amino-acid decarboxylase. Also called: Aromatic L-Amino Acid Decarboxylase Deficiency; AADC DEFICIENCY; DDC DEFICIENCY; DOPA DECARBOXYLASE DEFICIENCY; Aromatic amino acid decarboxylase deficiency. Identifiers: Orphanet 35708, MedGen C1291564, MONDO:0012084, OMIM 608643.

Allele frequency attached by ClinVar (database versions not stated): gnomAD exomes 0.00313 and 0.00432; gnomAD 0.00319; TOPMed 0.00335; 1000 Genomes Project 0.00419; 1000 Genomes Project 30x 0.00422; ExAC 0.00440; ESP Exome Variant Server 0.00500.
gnomAD v4.1: 5,256 of 1,614,166 alleles (0.33%); highest among the groups gnomAD compares: Middle Eastern, 1.1%; 31 homozygotes.

Submissions (9):

CeGaT Center for Human Genetics Tuebingen
Classification: Benign. Last evaluated: 2026-08-01. Review status: criteria provided, single submitter. Criteria: CeGaT Center For Human Genetics Tuebingen Variant Classification Criteria Version 2. Collection method: clinical testing. Allele origin: germline. Affected: yes. Observed: 19 variant alleles.
Comment: DDC: BP4, BP7, BS1, BS2

Labcorp Genetics (formerly Invitae), Labcorp
Classification: Benign for Deficiency of aromatic-L-amino-acid decarboxylase. Last evaluated: 2026-02-04. Review status: criteria provided, single submitter. Criteria: Invitae Variant Classification Sherloc (09022015). Collection method: clinical testing. Allele origin: germline.

Mayo Clinic Laboratories, Mayo Clinic
Classification: Benign. Last evaluated: 2023-02-27. Review status: criteria provided, single submitter. Criteria: ACMG Guidelines, 2015. Collection method: clinical testing. Allele origin: germline. Observed: 6 variant alleles.
Comment: BS1, BS2, BP4, BP7

GeneDx
Classification: Benign. Last evaluated: 2021-04-21. Review status: criteria provided, single submitter. Criteria: GeneDx Variant Classification Process June 2021. Collection method: clinical testing. Allele origin: germline. Affected: yes.

Illumina Laboratory Services, Illumina
Classification: Benign for Deficiency of aromatic-L-amino-acid decarboxylase. Last evaluated: 2018-01-13. Review status: criteria provided, single submitter. Criteria: ICSL Variant Classification Criteria 13 December 2019. Collection method: clinical testing. Allele origin: germline.
Comment: This variant was observed in the ICSL laboratory as part of a predisposition screen in an ostensibly healthy population. It had not been previously curated by ICSL or reported in the Human Gene Mutation Database (HGMD: prior to June 1st, 2018), and was therefore a candidate for classification through an automated scoring system. Utilizing variant allele frequency, disease prevalence and penetrance estimates, and inheritance mode, an automated score was calculated to assess if this variant is too frequent to cause the disease. Based on the score and internal cut-off values, a variant classified as benign is not then subjected to further curation. The score for this variant resulted in a classification of benign for this disease.

Clinical Genetics DNA and cytogenetics Diagnostics Lab, Erasmus MC, Erasmus Medical Center
Classification: Likely benign for Deficiency of aromatic-L-amino-acid decarboxylase. Last evaluated: 2017-06-28. Review status: criteria provided, single submitter. Criteria: ACGS Guidelines, 2013. Collection method: clinical testing. Allele origin: germline. Affected: yes. Study: VKGL Data-share Consensus.

Breakthrough Genomics
Classification: Likely benign. Review status: criteria provided, single submitter. Criteria: ACMG Guidelines, 2015. Collection method: not provided. Allele origin: germline. Inheritance: Autosomal recessive inheritance. Affected: yes.

Clinical Genetics, Academic Medical Center
Classification: Benign. Review status: no assertion criteria provided. Collection method: clinical testing. Allele origin: germline. Affected: yes. Study: VKGL Data-share Consensus. Not counted in ClinVar's aggregate classification.

Diagnostic Laboratory, Department of Genetics, University Medical Center Groningen
Classification: Likely benign for Deficiency of aromatic-L-amino-acid decarboxylase. Review status: no assertion criteria provided. Collection method: clinical testing. Allele origin: germline. Affected: yes. Study: VKGL Data-share Consensus. Not counted in ClinVar's aggregate classification.

NM_001082971.2(DDC):c.96C>T (p.Asp32=)

Gene: DDC (dopa decarboxylase; minus strand). Cytogenetic location: 7p12.1.
Variant type: single nucleotide variant.
Coding change: c.96C>T on transcript NM_001082971.2 (MANE Select); coding-DNA position 96, C replaced by T.
Protein change: p.Asp32=; no amino-acid change (aspartic acid 32 retained).
Molecular consequence: synonymous variant.
Genome position (GRCh38, 1-based): chr7:50,543,990, G>A on the plus strand (C>T on the coding strand, the complement: DDC is on the minus strand). VCF-style: chr7-50543990-G-A. GRCh37 (hg19) VCF-style: chr7-50611688-G-A.
Other names: p.Asp32=; c.96C>T, p.Asp32= (NM_000790.4, NM_001242886.2, NM_001242887.2 and 3 more transcripts).
Identifiers: ClinVar variation 360442 (VCV000360442.43), dbSNP rs11575290, ClinGen allele CA4262504.